The following is an entry in ClinVar:

NM_005236.3(ERCC4):c.1289C>A (p.Ala430Asp)

Gene: ERCC4 (ERCC excision repair 4, endonuclease catalytic subunit; plus strand). Cytogenetic location: 16p13.12.
Variant type: single nucleotide variant.
Coding change: c.1289C>A on transcript NM_005236.3 (MANE Select); coding-DNA position 1289, C replaced by A.
Protein change: p.Ala430Asp; replaces alanine 430 with aspartic acid.
Molecular consequence: missense variant.
Genome position (GRCh38, 1-based): chr16:13,935,221, C>A. VCF-style: chr16-13935221-C-A. GRCh37 (hg19) VCF-style: chr16-14029078-C-A.
Other names: short protein forms A430D.
Identifiers: ClinVar variation 2943597 (VCV002943597.3), dbSNP rs1596626472, ClinGen allele CA394809206.

ClinVar aggregate classification (germline): Uncertain significance (1 of 4 stars; one submission).

Conditions:
Xeroderma pigmentosum, group F (XPF). Also called: XERODERMA PIGMENTOSUM, COMPLEMENTATION GROUP F; XERODERMA PIGMENTOSUM VI; XP, GROUP F; ERCC4-Related Xeroderma Pigmentosum; XERODERMA PIGMENTOSUM, TYPE F; Xeroderma pigmentosum, type 6. Identifiers: MedGen C0268140, MONDO:0010215, OMIM 278760.
Fanconi anemia complementation group Q. Identifiers: Orphanet 84, MedGen C3808988, MONDO:0014108, OMIM 615272.
Cockayne syndrome. Identifiers: Orphanet 191, MedGen C0009207, MONDO:0016006.

Submission:

Labcorp Genetics (formerly Invitae), Labcorp
Classification: Uncertain significance for Fanconi anemia complementation group Q; Xeroderma pigmentosum, group F; Cockayne syndrome. Last evaluated: 2023-01-24. Review status: criteria provided, single submitter. Criteria: Invitae Variant Classification Sherloc (09022015). Collection method: clinical testing. Allele origin: germline.
Comment: This variant is not present in population databases (gnomAD no frequency). This sequence change replaces alanine, which is neutral and non-polar, with aspartic acid, which is acidic and polar, at codon 430 of the ERCC4 protein (p.Ala430Asp). This variant has not been reported in the literature in individuals affected with ERCC4-related conditions. In summary, the available evidence is currently insufficient to determine the role of this variant in disease. Therefore, it has been classified as a Variant of Uncertain Significance. Advanced modeling of protein sequence and biophysical properties (such as structural, functional, and spatial information, amino acid conservation, physicochemical variation, residue mobility, and thermodynamic stability) performed at Invitae indicates that this missense variant is not expected to disrupt ERCC4 protein function.